The following is an entry in ClinVar:

NM_025144.4(ALPK1):c.3415G>T (p.Val1139Leu)

Gene: ALPK1 (alpha kinase 1; plus strand). Cytogenetic location: 4q25.
Variant type: single nucleotide variant.
Coding change: c.3415G>T on transcript NM_025144.4 (MANE Select); coding-DNA position 3415, G replaced by T.
Protein change: p.Val1139Leu; replaces valine 1139 with leucine.
Molecular consequence: missense variant.
Genome position (GRCh38, 1-based): chr4:112,439,749, G>T. VCF-style: chr4-112439749-G-T. GRCh37 (hg19) VCF-style: chr4-113360905-G-T.
Other names: c.3415G>T, p.Val1139Leu (NM_001102406.2); c.3181G>T, p.Val1061Leu (NM_001253884.2); short protein forms V1061L, V1139L.
Identifiers: ClinVar variation 2723442 (VCV002723442.3), dbSNP rs1480021893, ClinGen allele CA357909002.

ClinVar aggregate classification (germline): Uncertain significance (1 of 4 stars; one submission).

gnomAD v4.1: 2 of 1,613,618 alleles (0.00012%); highest among the groups gnomAD compares: East Asian, 0.0045%; no homozygotes.

Submission:

Labcorp Genetics (formerly Invitae), Labcorp
Classification: Uncertain significance. Last evaluated: 2023-11-27. Review status: criteria provided, single submitter. Criteria: Invitae Variant Classification Sherloc (09022015). Collection method: clinical testing. Allele origin: germline.
Comment: This sequence change replaces valine, which is neutral and non-polar, with leucine, which is neutral and non-polar, at codon 1139 of the ALPK1 protein (p.Val1139Leu). This variant is not present in population databases (gnomAD no frequency). This variant has not been reported in the literature in individuals affected with ALPK1-related conditions. An algorithm developed to predict the effect of missense changes on protein structure and function (PolyPhen-2) suggests that this variant is likely to be disruptive. In summary, the available evidence is currently insufficient to determine the role of this variant in disease. Therefore, it has been classified as a Variant of Uncertain Significance.